The following is an entry in ClinVar:

NM_019055.6(ROBO4):c.1678C>T (p.Arg560Cys)

Gene: ROBO4 (roundabout guidance receptor 4; minus strand). Cytogenetic location: 11q24.2.
Variant type: single nucleotide variant.
Coding change: c.1678C>T on transcript NM_019055.6 (MANE Select); coding-DNA position 1678, C replaced by T.
Protein change: p.Arg560Cys; replaces arginine 560 with cysteine.
Molecular consequence: missense variant.
Genome position (GRCh38, 1-based): chr11:124,891,672, G>A on the plus strand (C>T on the coding strand, the complement: ROBO4 is on the minus strand). VCF-style: chr11-124891672-G-A. GRCh37 (hg19) VCF-style: chr11-124761568-G-A.
Other names: c.1243C>T, p.Arg415Cys (NM_001301088.2); short protein forms R415C, R560C.
Identifiers: ClinVar variation 1804989 (VCV001804989.6), dbSNP rs145076728, ClinGen allele CA6344861.

ClinVar aggregate classification (germline): Uncertain significance. Review status: criteria provided, multiple submitters, no conflicts (2 of 4 stars). 3 submissions from 3 submitters: Uncertain significance (2). 1 of the submissions does not count toward it. Last evaluated 2021-08-16.

Conditions:
ROBO4-related disorder. Also called: ROBO4-related condition.
Aortic valve disease 3. Identifiers: MedGen C5193127, MONDO:0032783, OMIM 618496.

Allele frequency attached by ClinVar (database versions not stated): ExAC 0.00004; gnomAD 0.00004; TOPMed 0.00005; gnomAD exomes 0.00007; 1000 Genomes Project 30x 0.00016; ESP Exome Variant Server 0.00023.
gnomAD v4.1: 105 of 1,614,180 alleles (0.0065%); highest among the groups gnomAD compares: Non-Finnish European, 0.0081%; no homozygotes.

Submissions (3):

Ambry Genetics
Classification: Uncertain significance. Last evaluated: 2021-08-16. Review status: criteria provided, single submitter. Criteria: Ambry Variant Classification Scheme 2023. Collection method: clinical testing. Allele origin: germline.

Victorian Clinical Genetics Services, Murdoch Childrens Research Institute
Classification: Uncertain significance for Aortic valve disease 3. Last evaluated: 2021-05-06. Review status: criteria provided, single submitter. Criteria: ACMG Guidelines, 2015. Collection method: clinical testing. Allele origin: germline. Inheritance: Autosomal dominant inheritance.
Comment: Based on the classification scheme VCGS_Germline_v1.3.4, this variant is classified as VUS-3C. Following criteria are met: 0102 - Loss of function is a known mechanism of disease in this gene and is associated with Aortic valve disease 8 (MIM#618496). (I) 0107 - This gene is associated with autosomal dominant disease. (I) 0112 - The condition associated with this gene has incomplete penetrance in a single family (PMID:30455415). (I) 0200 - Variant is predicted to result in a missense amino acid change from arginine to cysteine. (I) 0251 - This variant is heterozygous. (I) 0302 - Variant is present in gnomAD (v2) <0.001 for a dominant condition (9 heterozygotes, 0 homozygotes). (SP) 0309 - An alternative amino acid change at the same position has been observed in gnomAD (v3) (3 heterozygotes, 0 homozygotes). (I) 0504 - Same amino acid change has been observed in placental mammals. (SB) 0604 - Variant is not located in an established domain, motif, hotspot or informative constraint region. (I) 0705 - No comparable missense variants have previous evidence for pathogenicity. (I) 0807 - This variant has no previous evidence of pathogenicity. (I) 0905 - No published segregation evidence has been identified for this variant. (I) 1007 - No published functional evidence has been identified for this variant. (I) 1208 - Inheritance information for this variant is not currently available in this individual. (I) Legend: (SP) - Supporting pathogenic, (I) - Information, (SB) - Supporting benign

PreventionGenetics, part of Exact Sciences
Classification: Uncertain significance for ROBO4-related condition. Last evaluated: 2023-12-18. Review status: no assertion criteria provided. Collection method: clinical testing. Allele origin: germline. Not counted in ClinVar's aggregate classification.
Comment: The ROBO4 c.1678C>T variant is predicted to result in the amino acid substitution p.Arg560Cys. To our knowledge, this variant has not been reported in the literature. This variant is reported in 0.0065% of alleles in individuals of South Asian descent in gnomAD. At this time, the clinical significance of this variant is uncertain due to the absence of conclusive functional and genetic evidence.

Literature cited by the submitters: PubMed 30455415 (cited by Victorian Clinical Genetics Services, Murdoch Childrens Research Institute).